The following is an entry in ClinVar:

ClinVar aggregate classification (germline): Uncertain significance. Review status: criteria provided, multiple submitters, no conflicts (2 of 4 stars). 2 submissions from 2 submitters: Uncertain significance (2). Last evaluated 2026-01-02.

Conditions:
Inborn genetic diseases. Identifiers: MedGen C0950123, MeSH D030342.

Allele frequency attached by ClinVar (database versions not stated): gnomAD 0.00001; gnomAD exomes 0.00001; TOPMed 0.00001.
gnomAD v4.1: 11 of 1,613,152 alleles (0.00068%); highest among the groups gnomAD compares: Non-Finnish European, 0.00085%; no homozygotes.

Submissions (2):

Labcorp Genetics (formerly Invitae), Labcorp
Classification: Uncertain significance. Last evaluated: 2026-01-02. Review status: criteria provided, single submitter. Criteria: Invitae Variant Classification Sherloc (09022015). Collection method: clinical testing. Allele origin: germline.
Comment: This sequence change replaces aspartic acid, which is acidic and polar, with histidine, which is basic and polar, at codon 758 of the ANKRD26 protein (p.Asp758His). This variant is present in population databases (no rsID available, gnomAD 0.0009%). This variant has not been reported in the literature in individuals affected with ANKRD26-related conditions. ClinVar contains an entry for this variant (Variation ID: 2397683). An algorithm developed to predict the effect of missense changes on protein structure and function (PolyPhen-2) suggests that this variant is likely to be tolerated. In summary, the available evidence is currently insufficient to determine the role of this variant in disease. Therefore, it has been classified as a Variant of Uncertain Significance.

Ambry Genetics
Classification: Uncertain significance for Inborn genetic diseases. Last evaluated: 2024-11-21. Review status: criteria provided, single submitter. Criteria: Ambry Variant Classification Scheme 2023. Collection method: clinical testing. Allele origin: germline.
Comment: The p.D758H variant (also known as c.2272G>C), located in coding exon 21 of the ANKRD26 gene, results from a G to C substitution at nucleotide position 2272. The aspartic acid at codon 758 is replaced by histidine, an amino acid with similar properties. This amino acid position is conserved. In addition, this alteration is predicted to be tolerated by in silico analysis. Based on the available evidence, the clinical significance of this variant remains unclear.

NM_014915.3(ANKRD26):c.2272G>C (p.Asp758His)

Gene: ANKRD26 (ankyrin repeat domain 26; minus strand). Cytogenetic location: 10p12.1.
Variant type: single nucleotide variant.
Coding change: c.2272G>C on transcript NM_014915.3 (MANE Select); coding-DNA position 2272, G replaced by C.
Protein change: p.Asp758His; replaces aspartic acid 758 with histidine.
Molecular consequence: missense variant.
Genome position (GRCh38, 1-based): chr10:27,040,068, C>G on the plus strand (G>C on the coding strand, the complement: ANKRD26 is on the minus strand). VCF-style: chr10-27040068-C-G. GRCh37 (hg19) VCF-style: chr10-27328997-C-G.
Other names: c.2269G>C, p.Asp757His (NM_001256053.2); short protein forms D758H, D757H.
Identifiers: ClinVar variation 2397683 (VCV002397683.5), dbSNP rs936996730, ClinGen allele CA204451689.
Genomic context (GRCh38, chr10:27,040,068, plus strand): 5'-CTAACTGTGATTTTATTTCTTTTGTTTCAGATAGCTCCCTTTGTAGTACATTAACCTTGT[C>G]TTCCATTTTTTTAATTTTTACTGTAAGTAGTTCACAGTGATTTTTTTTAAGTTCTAATAA-3'
Protein context (NP_055730.2, residues 748-768): LLTVKIKKME[Asp758His]KVNVLQRELS